The following is an entry in ClinVar:

NM_004369.4(COL6A3):c.5946dup (p.Glu1983Ter)

Gene: COL6A3 (collagen type VI alpha 3 chain; minus strand). Cytogenetic location: 2q37.3.
Variant type: Duplication.
Coding change: c.5946dup on transcript NM_004369.4 (MANE Select); coding-DNA position 5946, one base duplicated (T; older notation c.5946dupT).
Protein change: p.Glu1983Ter; replaces glutamic acid 1983 with a stop codon.
Molecular consequence: nonsense.
Genome position (GRCh38, 1-based): chr2:237,363,370, A duplicated on the plus strand (T on the coding strand, the reverse complement: COL6A3 is on the minus strand); the first of 2 consecutive A bases (chr2:237,363,370-237,363,371); duplicating either gives the same sequence. VCF-style (leftmost placement, unchanged base first): chr2-237363369-C-CA. GRCh37 (hg19) VCF-style: chr2-238272012-C-CA.
Other names: c.4125dup, p.Glu1376Ter (NM_057166.5); c.5328dup, p.Glu1777Ter (NM_057167.4); short protein forms E1376*, E1777*, E1983*.
Identifiers: ClinVar variation 2019471 (VCV002019471.4), dbSNP rs2469872324, ClinGen allele CA2580066100.

ClinVar aggregate classification (germline): Pathogenic (1 of 4 stars; one submission).

Conditions:
Bethlem myopathy 1A. Also called: MYOPATHY, BENIGN CONGENITAL, WITH CONTRACTURES; Bethlem myopathy 1; Bethlem Muscular Dystrophy. Identifiers: Orphanet 610, MedGen CN029274, MONDO:0024530, OMIM 158810.

Submission:

Labcorp Genetics (formerly Invitae), Labcorp
Classification: Pathogenic for Bethlem myopathy 1A. Last evaluated: 2025-03-31. Review status: criteria provided, single submitter. Criteria: Invitae Variant Classification Sherloc (09022015). Collection method: clinical testing. Allele origin: germline.
Comment: This sequence change creates a premature translational stop signal (p.Glu1983*) in the COL6A3 gene. It is expected to result in an absent or disrupted protein product. Loss-of-function variants in COL6A3 are known to be pathogenic (PMID: 26004199). This variant is not present in population databases (gnomAD no frequency). This variant has not been reported in the literature in individuals affected with COL6A3-related conditions. ClinVar contains an entry for this variant (Variation ID: 2019471). For these reasons, this variant has been classified as Pathogenic.

Literature cited by the submitters: PubMed 26004199.